The following is an entry in ClinVar:

ClinVar aggregate classification (germline): Uncertain significance (1 of 4 stars; one submission).

Conditions:
Early-infantile DEE. Also called: Early infantile epileptic encephalopathy with suppression bursts; Early infantile epileptic encephalopathy; Ohtahara syndrome. Identifiers: Orphanet 1934, MedGen C0393706, MONDO:0800491.

Submission:

Labcorp Genetics (formerly Invitae), Labcorp
Classification: Uncertain significance for Early-infantile DEE. Last evaluated: 2022-09-02. Review status: criteria provided, single submitter. Criteria: Invitae Variant Classification Sherloc (09022015). Collection method: clinical testing. Allele origin: germline.
Comment: In summary, the available evidence is currently insufficient to determine the role of this variant in disease. Therefore, it has been classified as a Variant of Uncertain Significance. Algorithms developed to predict the effect of missense changes on protein structure and function (SIFT, PolyPhen-2, Align-GVGD) all suggest that this variant is likely to be tolerated. This variant has not been reported in the literature in individuals affected with KCNQ2-related conditions. This variant is not present in population databases (gnomAD no frequency). This sequence change replaces proline, which is neutral and non-polar, with alanine, which is neutral and non-polar, at codon 597 of the KCNQ2 protein (p.Pro597Ala).

NM_172107.4(KCNQ2):c.1789C>G (p.Pro597Ala)

Gene: KCNQ2 (potassium voltage-gated channel subfamily Q member 2; minus strand). Cytogenetic location: 20q13.33.
Variant type: single nucleotide variant.
Coding change: c.1789C>G on transcript NM_172107.4 (MANE Select); coding-DNA position 1789, C replaced by G.
Protein change: p.Pro597Ala; replaces proline 597 with alanine.
Molecular consequence: missense variant.
Genome position (GRCh38, 1-based): chr20:63,408,511, G>C on the plus strand (C>G on the coding strand, the complement: KCNQ2 is on the minus strand). VCF-style: chr20-63408511-G-C. GRCh37 (hg19) VCF-style: chr20-62039864-G-C.
Other names: c.1843C>G, p.Pro615Ala (NM_001382235.1); c.1705C>G, p.Pro569Ala (NM_004518.6); c.1735C>G, p.Pro579Ala (NM_172106.3); c.1696C>G, p.Pro566Ala (NM_172108.5); short protein forms P566A, P569A, P579A, P597A, P615A.
Identifiers: ClinVar variation 1718682 (VCV001718682.5), dbSNP rs2516119110, ClinGen allele CA409640420.